The following is an entry in ClinVar:

ClinVar aggregate classification (germline): Uncertain significance (1 of 4 stars; one submission).

Conditions:
Early Myoclonic Encephalopathy. Identifiers: MedGen C0270855.

Submission:

Labcorp Genetics (formerly Invitae), Labcorp
Classification: Uncertain significance for Early Myoclonic Encephalopathy. Last evaluated: 2022-01-14. Review status: criteria provided, single submitter. Criteria: Invitae Variant Classification Sherloc (09022015). Collection method: clinical testing. Allele origin: germline.
Comment: This sequence change replaces arginine, which is basic and polar, with cysteine, which is neutral and slightly polar, at codon 311 of the KCND2 protein (p.Arg311Cys). This variant is not present in population databases (gnomAD no frequency). This variant has not been reported in the literature in individuals affected with KCND2-related conditions. Advanced modeling of protein sequence and biophysical properties (such as structural, functional, and spatial information, amino acid conservation, physicochemical variation, residue mobility, and thermodynamic stability) performed at Invitae indicates that this missense variant is expected to disrupt KCND2 protein function. In summary, the available evidence is currently insufficient to determine the role of this variant in disease. Therefore, it has been classified as a Variant of Uncertain Significance.

NM_012281.3(KCND2):c.931C>T (p.Arg311Cys)

Gene: KCND2 (potassium voltage-gated channel subfamily D member 2; plus strand). Cytogenetic location: 7q31.31.
Variant type: single nucleotide variant.
Coding change: c.931C>T on transcript NM_012281.3 (MANE Select); coding-DNA position 931, C replaced by T.
Protein change: p.Arg311Cys; replaces arginine 311 with cysteine.
Molecular consequence: missense variant.
Genome position (GRCh38, 1-based): chr7:120,275,563, C>T. VCF-style: chr7-120275563-C-T. GRCh37 (hg19) VCF-style: chr7-119915617-C-T.
Other names: short protein forms R311C.
Identifiers: ClinVar variation 1510173 (VCV001510173.6), dbSNP rs2116244203, ClinGen allele CA369132705.